The following is an entry in ClinVar:

ClinVar aggregate classification (germline): Uncertain significance (1 of 4 stars; one submission).

Conditions:
Polycystic kidney disease, adult type (PKD1). Also called: POLYCYSTIC KIDNEY DISEASE, ADULT, TYPE I; Polycystic Kidney, Autosomal Dominant; Polycystic Kidney Disease 1, Autosomal Dominant; Polycystic kidney disease 1; Polycystic kidney disease 1, severe; POLYCYSTIC KIDNEY DISEASE 1 WITH OR WITHOUT POLYCYSTIC LIVER DISEASE. Identifiers: MedGen C3149841, MONDO:0008263, OMIM 173900.

gnomAD v4.1: 1 of 1,610,216 alleles (0.000062%); highest among the groups gnomAD compares: Non-Finnish European, 0.000085%; no homozygotes.

Submission:

Juno Genomics, Hangzhou Juno Genomics, Inc
Classification: Uncertain significance for Polycystic kidney disease, adult type. Review status: criteria provided, single submitter. Criteria: ACMG Guidelines, 2015. Collection method: clinical testing. Allele origin: germline.
Comment: Absent from controls (or at extremely low frequency if recessive) in Genome Aggregation Database.;Patient's phenotype or family history is highly specific for a disease with a single genetic etiology.

NM_001009944.3(PKD1):c.7567G>C (p.Glu2523Gln)

Gene: PKD1 (polycystin 1, transient receptor potential channel interacting; minus strand). Cytogenetic location: 16p13.3.
Variant type: single nucleotide variant.
Coding change: c.7567G>C on transcript NM_001009944.3 (MANE Select); coding-DNA position 7567, G replaced by C.
Protein change: p.Glu2523Gln; replaces glutamic acid 2523 with glutamine.
Molecular consequence: missense variant.
Genome position (GRCh38, 1-based): chr16:2,106,227, C>G on the plus strand (G>C on the coding strand, the complement: PKD1 is on the minus strand). VCF-style: chr16-2106227-C-G. GRCh37 (hg19) VCF-style: chr16-2156228-C-G.
Other names: c.7567G>C, p.Glu2523Gln (NM_000296.4); short protein forms E2523Q.
Identifiers: ClinVar variation 5005527 (VCV005005527.2).